The following is an entry in ClinVar:

ClinVar aggregate classification (germline): Uncertain significance. Review status: criteria provided, multiple submitters, no conflicts (2 of 4 stars). 2 submissions from 2 submitters: Uncertain significance (2). Last evaluated 2024-01-22.

Conditions:
Neonatal-onset encephalopathy with rigidity and seizures. Also called: Lethal neonatal spasticity-epileptic encephalopathy syndrome. Identifiers: Orphanet 435845, MedGen C3281029, MONDO:0013784, OMIM 614498.
Inborn genetic diseases. Identifiers: MedGen C0950123, MeSH D030342.

Allele frequency attached by ClinVar (database versions not stated): gnomAD exomes below 0.00001; gnomAD 0.00002.
gnomAD v4.1: 4 of 1,613,928 alleles (0.00025%); highest among the groups gnomAD compares: African/African-American, 0.004%; no homozygotes.

Submissions (2):

Labcorp Genetics (formerly Invitae), Labcorp
Classification: Uncertain significance for Neonatal-onset encephalopathy with rigidity and seizures. Last evaluated: 2024-01-22. Review status: criteria provided, single submitter. Criteria: Invitae Variant Classification Sherloc (09022015). Collection method: clinical testing. Allele origin: germline.
Comment: This sequence change replaces aspartic acid, which is acidic and polar, with glycine, which is neutral and non-polar, at codon 18 of the BRAT1 protein (p.Asp18Gly). This variant is present in population databases (no rsID available, gnomAD 0.004%). This variant has not been reported in the literature in individuals affected with BRAT1-related conditions. ClinVar contains an entry for this variant (Variation ID: 1977114). Advanced modeling of protein sequence and biophysical properties (such as structural, functional, and spatial information, amino acid conservation, physicochemical variation, residue mobility, and thermodynamic stability) performed at Invitae indicates that this missense variant is expected to disrupt BRAT1 protein function with a positive predictive value of 80%. In summary, the available evidence is currently insufficient to determine the role of this variant in disease. Therefore, it has been classified as a Variant of Uncertain Significance.

Ambry Genetics
Classification: Uncertain significance for Inborn genetic diseases. Last evaluated: 2023-04-27. Review status: criteria provided, single submitter. Criteria: Ambry Variant Classification Scheme 2023. Collection method: clinical testing. Allele origin: germline.

NM_152743.4(BRAT1):c.53A>G (p.Asp18Gly)

Gene: BRAT1 (BRCA1 associated ATM activator 1; minus strand). Cytogenetic location: 7p22.3.
Variant type: single nucleotide variant.
Coding change: c.53A>G on transcript NM_152743.4 (MANE Select); coding-DNA position 53, A replaced by G.
Protein change: p.Asp18Gly; replaces aspartic acid 18 with glycine.
Molecular consequence: missense variant. On other transcripts: 5 prime UTR variant (1), non-coding transcript variant (1).
Genome position (GRCh38, 1-based): chr7:2,554,379, T>C on the plus strand (A>G on the coding strand, the complement: BRAT1 is on the minus strand). VCF-style: chr7-2554379-T-C. GRCh37 (hg19) VCF-style: chr7-2594013-T-C.
Other names: c.53A>G (NM_152743.3); c.53A>G, p.Asp18Gly (NM_001350626.2); c.-325A>G (NM_001350627.2); short protein forms D18G.
Identifiers: ClinVar variation 1977114 (VCV001977114.7), dbSNP rs1261903094, ClinGen allele CA366633553.
Genomic context (GRCh38, chr7:2,554,379, plus strand): 5'-GTTTTAAACCAGTCCAGGAGCTTCTCCAAACAGGTGTCATCTGCCACCGGCTGCCTGGGA[T>C]CTACCAGAACAGCACAGAGAGCCGGGAGCAGCTGGGCGCATTCTGGGTCCATGGTGAGGC-3'
Protein context (NP_689956.2, residues 8-28): LLPALCAVLV[Asp18Gly]PRQPVADDTC